The following is an entry in ClinVar:

NM_000038.6(APC):c.1332T>G (p.His444Gln)

Gene: APC (APC regulator of Wnt signaling pathway; plus strand). Cytogenetic location: 5q22.2.
Variant type: single nucleotide variant.
Coding change: c.1332T>G on transcript NM_000038.6 (MANE Select); coding-DNA position 1332, T replaced by G.
Protein change: p.His444Gln; replaces histidine 444 with glutamine.
Molecular consequence: missense variant.
Genome position (GRCh38, 1-based): chr5:112,821,915, T>G. VCF-style: chr5-112821915-T-G. GRCh37 (hg19) VCF-style: chr5-112157612-T-G.
Other names: c.1332T>G, p.His444Gln (NM_001127510.3, NM_001354895.2, NM_001354896.2); c.1278T>G, p.His426Gln (NM_001127511.3); c.1362T>G, p.His454Gln (NM_001354897.2); c.1257T>G, p.His419Gln (NM_001354898.2); c.1248T>G, p.His416Gln (NM_001354899.2); c.1155T>G, p.His385Gln (NM_001354900.2, NM_001354901.2); c.1059T>G, p.His353Gln (NM_001354902.2); c.1029T>G, p.His343Gln (NM_001354903.2); and 3 more; short protein forms H444Q, H426Q, H343Q, H161Q, H318Q, H416Q, H454Q, H385Q.
Identifiers: ClinVar variation 411398 (VCV000411398.17), dbSNP rs773087899, ClinGen allele CA027188.

ClinVar aggregate classification (germline): Uncertain significance. Review status: criteria provided, multiple submitters, no conflicts (2 of 4 stars). 3 submissions from 3 submitters: Uncertain significance (3). Last evaluated 2026-09-04.

Conditions:
Familial adenomatous polyposis 1 (FAP1). Also called: FAMILIAL ADENOMATOUS POLYPOSIS 1, ATTENUATED; POLYPOSIS, ADENOMATOUS INTESTINAL. Identifiers: MedGen C2713442, MONDO:0021056, OMIM 175100. Disease mechanism: loss of function.
Inherited polyposis and early onset colorectal cancer - germline testing.
Hereditary cancer-predisposing syndrome. Also called: Tumor predisposition; Hereditary neoplastic syndrome; Hereditary Cancer Syndrome; Neoplastic Syndromes, Hereditary. Identifiers: Orphanet 140162, MedGen C0027672, MeSH D009386, MONDO:0015356.

Allele frequency attached by ClinVar (database versions not stated): gnomAD exomes below 0.00001; ExAC 0.00001.
gnomAD v4.1: 4 of 1,613,120 alleles (0.00025%); highest among the groups gnomAD compares: Non-Finnish European, 0.00034%; no homozygotes.

Submissions (3):

Genomics and Molecular Medicine Service, East Genomic Laboratory Hub, NHS Genomic Medicine Service
Classification: Uncertain significance for Inherited polyposis and early onset colorectal cancer - germline testing. Last evaluated: 2026-09-04. Review status: criteria provided, single submitter. Criteria: ACGS Best Practice Guidelines for Variant Classification in Rare Disease 2020. Collection method: clinical testing. Allele origin: germline. Affected: yes.
Comment: BP1

Ambry Genetics
Classification: Uncertain significance for Hereditary cancer-predisposing syndrome. Last evaluated: 2025-07-09. Review status: criteria provided, single submitter. Criteria: Ambry Variant Classification Scheme 2023. Collection method: clinical testing. Allele origin: germline.
Comment: The p.H444Q variant (also known as c.1332T>G), located in coding exon 10 of the APC gene, results from a T to G substitution at nucleotide position 1332. The histidine at codon 444 is replaced by glutamine, an amino acid with highly similar properties. This amino acid position is highly conserved in available vertebrate species. In addition, in silico predictors for this gene do not accurately predict pathogenicity. Missense alterations in APC are not a common cause of disease (Spier I et al. Genet Med. 2024 Feb;26(2):100992). Based on the available evidence, the clinical significance of this variant remains unclear.

Labcorp Genetics (formerly Invitae), Labcorp
Classification: Uncertain significance for Familial adenomatous polyposis 1. Last evaluated: 2022-09-05. Review status: criteria provided, single submitter. Criteria: Invitae Variant Classification Sherloc (09022015). Collection method: clinical testing. Allele origin: germline.
Comment: In summary, the available evidence is currently insufficient to determine the role of this variant in disease. Therefore, it has been classified as a Variant of Uncertain Significance. Algorithms developed to predict the effect of sequence changes on RNA splicing suggest that this variant may create or strengthen a splice site. Algorithms developed to predict the effect of missense changes on protein structure and function are either unavailable or do not agree on the potential impact of this missense change (SIFT: "Deleterious"; PolyPhen-2: "Benign"; Align-GVGD: "Class C0"). ClinVar contains an entry for this variant (Variation ID: 411398). This sequence change replaces histidine, which is basic and polar, with glutamine, which is neutral and polar, at codon 444 of the APC protein (p.His444Gln). This variant is present in population databases (rs773087899, gnomAD 0.0009%). This variant has not been reported in the literature in individuals affected with APC-related conditions.